The following is an entry in ClinVar:

ClinVar aggregate classification (germline): Likely benign. Review status: criteria provided, multiple submitters, no conflicts (2 of 4 stars). 4 submissions from 4 submitters: Likely benign (4). Last evaluated 2026-03-27.

Conditions:
Familial thoracic aortic aneurysm and aortic dissection (TAAD). Also called: Thoracic aortic aneurysms and dissections. Identifiers: Orphanet 91387, MedGen C4707243, MONDO:0019625.
Aneurysm-osteoarthritis syndrome. Also called: Loeys-Dietz syndrome, type 1C; SMAD3-Related Loeys-Dietz Syndrome; ANEURYSMS-OSTEOARTHRITIS SYNDROME; LOEYS-DIETZ SYNDROME WITH OSTEOARTHRITIS. Identifiers: Orphanet 284984, MedGen C3151087, MONDO:0013426, OMIM 613795.

Allele frequency attached by ClinVar (database versions not stated): TOPMed 0.00002; gnomAD 0.00003 and 0.00002; gnomAD exomes 0.00003 and 0.00001; ExAC 0.00004.
gnomAD v4.1: 16 of 1,613,896 alleles (0.00099%); highest among the groups gnomAD compares: East Asian, 0.011%; no homozygotes.

Submissions (4):

Molecular Diagnostic Laboratory for Inherited Cardiovascular Disease, Montreal Heart Institute
Classification: Likely benign. Last evaluated: 2026-03-27. Review status: criteria provided, single submitter. Criteria: ACMG Guidelines, 2015. Collection method: clinical testing. Allele origin: germline. Affected: no.
Comment: BS1;BP7

Labcorp Genetics (formerly Invitae), Labcorp
Classification: Likely benign for Familial thoracic aortic aneurysm and aortic dissection. Last evaluated: 2025-12-07. Review status: criteria provided, single submitter. Criteria: Invitae Variant Classification Sherloc (09022015). Collection method: clinical testing. Allele origin: germline.

All of Us Research Program, National Institutes of Health
Classification: Likely benign for Aneurysm-osteoarthritis syndrome. Last evaluated: 2023-12-01. Review status: criteria provided, single submitter. Criteria: ACMG Guidelines, 2015. Collection method: clinical testing. Allele origin: germline. Inheritance: Autosomal dominant inheritance. Observed: 3 variant alleles, 3 heterozygotes.
Comment: This study involves interpretation of variants in research participants for the purpose of population health screening. Participant phenotype was not available at the time of variant classification. Additional details can be found in publication PMID: 35346344, PMCID: PMC8962531

Color Diagnostics, LLC DBA Color Health
Classification: Likely benign for Familial thoracic aortic aneurysm and aortic dissection. Last evaluated: 2021-03-16. Review status: criteria provided, single submitter. Criteria: ACMG Guidelines, 2015. Collection method: clinical testing. Allele origin: germline.

NM_005902.4(SMAD3):c.912C>T (p.Phe304=)

Gene: SMAD3 (SMAD family member 3; plus strand). Cytogenetic location: 15q22.33.
Variant type: single nucleotide variant.
Coding change: c.912C>T on transcript NM_005902.4 (MANE Select); coding-DNA position 912, C replaced by T.
Protein change: p.Phe304=; no amino-acid change (phenylalanine 304 retained).
Molecular consequence: synonymous variant.
Genome position (GRCh38, 1-based): chr15:67,184,767, C>T. VCF-style: chr15-67184767-C-T. GRCh37 (hg19) VCF-style: chr15-67477105-C-T.
Other names: c.597C>T, p.Phe199= (NM_001145102.2); c.780C>T, p.Phe260= (NM_001145103.2); c.327C>T, p.Phe109= (NM_001145104.2).
Identifiers: ClinVar variation 240272 (VCV000240272.15), dbSNP rs759140708, ClinGen allele CA062839.